The following is an entry in ClinVar:

NM_005251.3(FOXC2):c.227_230dup (p.Tyr77Ter)

Genes: FOXC2 (forkhead box C2; plus strand), FOXC2-AS1 (FOXC2 antisense RNA 1; minus strand). Cytogenetic location: 16q24.1.
Variant type: Duplication.
Coding change: c.227_230dup on transcript NM_005251.3 (MANE Select); coding-DNA positions 227 to 230, 4 bases duplicated (GCTA; older notation c.227_230dupGCTA).
Protein change: p.Tyr77Ter; replaces tyrosine 77 with a stop codon.
Molecular consequence: nonsense.
Genome position (GRCh38, 1-based): chr16:86,567,562-86,567,565, GCTA duplicated; duplicating any 4 consecutive bases within chr16:86,567,561-86,567,565 gives the same sequence; the c. name uses the placement nearest the transcript's 3' end. VCF-style (leftmost placement, unchanged base first): chr16-86567560-C-CAGCT. GRCh37 (hg19) VCF-style: chr16-86601166-C-CAGCT.
Other names: short protein forms Y77*.
Identifiers: ClinVar variation 2031286 (VCV002031286.4), dbSNP rs2507944348, ClinGen allele CA2580092194.
Genomic context (GRCh38, chr16:86,567,560, plus strand): 5'-CTACGCGCCCTACCACCACCACCAGCCCGCGGCGCCTAAGGACCTGGTGAAGCCGCCCTA[C>CAGCT]AGCTACATCGCGCTCATCACCATGGCCATCCAGAACGCGCCCGAGAAGAAGATCACCTTG-3'

ClinVar aggregate classification (germline): Pathogenic (1 of 4 stars; one submission).

Submission:

Labcorp Genetics (formerly Invitae), Labcorp
Classification: Pathogenic. Last evaluated: 2022-10-31. Review status: criteria provided, single submitter. Criteria: Invitae Variant Classification Sherloc (09022015). Collection method: clinical testing. Allele origin: germline.
Comment: This variant is not present in population databases (gnomAD no frequency). For these reasons, this variant has been classified as Pathogenic. This variant disrupts a region of the FOXC2 protein in which other variant(s) (p.His199Profs*264) have been determined to be pathogenic (PMID: 11371511, 27752211; Invitae). This suggests that this is a clinically significant region of the protein, and that variants that disrupt it are likely to be disease-causing. This variant has not been reported in the literature in individuals affected with FOXC2-related conditions. This sequence change creates a premature translational stop signal (p.Tyr77*) in the FOXC2 gene. While this is not anticipated to result in nonsense mediated decay, it is expected to disrupt the last 425 amino acid(s) of the FOXC2 protein.

Literature cited by the submitters: PubMed 11371511; PubMed 27752211.